The following is an entry in ClinVar:

NM_001365276.2(TNXB):c.12161G>C (p.Arg4054Pro)

Genes: TNXB (tenascin XB; minus strand), LOC106780803 (tenascin XB recombination region; plus strand). Cytogenetic location: 6p21.33.
Variant type: single nucleotide variant.
Coding change: c.12161G>C on transcript NM_001365276.2 (MANE Select); coding-DNA position 12161, G replaced by C.
Protein change: p.Arg4054Pro; replaces arginine 4054 with proline.
Molecular consequence: missense variant.
Genome position (GRCh38, 1-based): chr6:32,042,504, C>G on the plus strand (G>C on the coding strand, the complement: TNXB is on the minus strand). VCF-style: chr6-32042504-C-G. GRCh37 (hg19) VCF-style: chr6-32010281-C-G.
Other names: c.12155G>C, p.Arg4052Pro (NM_019105.8); c.1448G>C, p.Arg483Pro (NM_032470.4); short protein forms R4052P, R4054P, R483P.
Identifiers: ClinVar variation 1709403 (VCV001709403.2), dbSNP rs750503667, ClinGen allele CA3732863.

ClinVar aggregate classification (germline): Uncertain significance (1 of 4 stars; one submission).

Conditions:
Ehlers-Danlos syndrome due to tenascin-X deficiency (EDSCLL1). Also called: EHLERS-DANLOS SYNDROME, CLASSIC-LIKE; Ehlers-Danlos syndrome, classic-like, 1; TNXB-Related Classical-Like Ehlers-Danlos Syndrome; EDS DUE TO TNX DEFICIENCY; TNX DEFICIENCY. Identifiers: Orphanet 230839, MedGen C1848029, MONDO:0011670, OMIM 606408.

gnomAD v4.1: 12 of 1,612,706 alleles (0.00074%); highest among the groups gnomAD compares: Non-Finnish European, 0.00093%; no homozygotes.

Submission:

MGZ Medical Genetics Center
Classification: Uncertain significance for Ehlers-Danlos syndrome due to tenascin-X deficiency. Last evaluated: 2022-08-01. Review status: criteria provided, single submitter. Criteria: ACMG Guidelines, 2015. Collection method: clinical testing. Allele origin: germline. Affected: yes. Observed: 1 variant allele.
Comment: ACMG criteria applied: PM2_SUP